The following is an entry in ClinVar:

NM_000179.3(MSH6):c.2063T>C (p.Val688Ala)

Gene: MSH6 (mutS homolog 6; plus strand). Cytogenetic location: 2p16.3.
Variant type: single nucleotide variant.
Coding change: c.2063T>C on transcript NM_000179.3 (MANE Select); coding-DNA position 2063, T replaced by C.
Protein change: p.Val688Ala; replaces valine 688 with alanine.
Molecular consequence: missense variant.
Genome position (GRCh38, 1-based): chr2:47,800,046, T>C. VCF-style: chr2-47800046-T-C. GRCh37 (hg19) VCF-style: chr2-48027185-T-C.
Other names: c.1673T>C, p.Val558Ala (NM_001281492.2); c.1157T>C, p.Val386Ala (NM_001281493.2, NM_001281494.2, NM_001406811.1 and 6 more transcripts); c.2159T>C, p.Val720Ala (NM_001406795.1, NM_001406802.1); c.2063T>C, p.Val688Ala (NM_001406796.1, NM_001406798.1, NM_001406800.1 and 3 more transcripts); c.1766T>C, p.Val589Ala (NM_001406797.1, NM_001406801.1, NM_001406805.1 and 10 more transcripts); c.1538T>C, p.Val513Ala (NM_001406799.1, NM_001406806.1, NM_001406807.1); c.1985T>C, p.Val662Ala (NM_001406804.1); c.2069T>C, p.Val690Ala (NM_001406813.1); and 1 more; short protein forms V589A, V720A, V386A, V513A, V558A, V662A, V690A, V632A.
Identifiers: ClinVar variation 1785263 (VCV001785263.2), dbSNP rs2104386831, ClinGen allele CA346750783.

ClinVar aggregate classification (germline): Uncertain significance (1 of 4 stars; one submission).

Conditions:
Hereditary cancer-predisposing syndrome. Also called: Neoplastic Syndromes, Hereditary; Tumor predisposition; Hereditary Cancer Syndrome; Hereditary neoplastic syndrome. Identifiers: Orphanet 140162, MedGen C0027672, MeSH D009386, MONDO:0015356.

Submission:

Ambry Genetics
Classification: Uncertain significance for Hereditary cancer-predisposing syndrome. Last evaluated: 2019-06-28. Review status: criteria provided, single submitter. Criteria: Ambry Variant Classification Scheme 2023. Collection method: clinical testing. Allele origin: germline.
Comment: The p.V688A variant (also known as c.2063T>C), located in coding exon 4 of the MSH6 gene, results from a T to C substitution at nucleotide position 2063. The valine at codon 688 is replaced by alanine, an amino acid with similar properties. This amino acid position is poorly conserved in available vertebrate species. In addition, the in silico prediction for this alteration is inconclusive. Since supporting evidence is limited at this time, the clinical significance of this alteration remains unclear.